The following is an entry in ClinVar:

NM_000384.3(APOB):c.2673del (p.Pro892fs)

Gene: APOB (apolipoprotein B; minus strand). Cytogenetic location: 2p24.1.
Variant type: Deletion.
Coding change: c.2673del on transcript NM_000384.3 (MANE Select); coding-DNA position 2673, one base deleted (T; older notation c.2673delT).
Protein change: p.Pro892fs; shifts the reading frame from proline 892.
Molecular consequence: frameshift variant.
Genome position (GRCh38, 1-based): chr2:21,022,974, A deleted on the plus strand (T on the coding strand, the reverse complement: APOB is on the minus strand); the first of 2 consecutive A bases (chr2:21,022,974-21,022,975); deleting either gives the same sequence. VCF-style (leftmost placement, unchanged base first): chr2-21022973-GA-G. GRCh37 (hg19) VCF-style: chr2-21245845-GA-G.
Other names: short protein forms P892fs.
Identifiers: ClinVar variation 4532934 (VCV004532934.1).

ClinVar aggregate classification (germline): Likely pathogenic (1 of 4 stars; one submission).

Submission:

Quest Diagnostics Nichols Institute San Juan Capistrano
Classification: Likely pathogenic. Last evaluated: 2025-06-24. Review status: criteria provided, single submitter. Criteria: Quest Diagnostics criteria. Collection method: clinical testing. Allele origin: unknown.
Comment: The APOB c.2673del (p.Pro892Argfs*10) variant alters the translational reading frame of the APOB mRNA and is predicted to cause the premature termination of APOB protein synthesis. This variant has not been reported in individuals with APOB-related conditions in the published literature. However, loss of function variants in this region have been reported in individuals with hypobetalipoproteinemia (PMID: 36964972 (2023), 30782561 (2019), 17570373 (2007)), which is a condition typically characterized by abnormally low plasma LDL-cholesterol levels and fatty liver disease. This variant has not been reported in large, multi-ethnic general populations (Genome Aggregation Database). Based on the available information, this variant is classified as pathogenic for hypobetalipoproteinemia. However, since hypobetalipoproteinemia has been shown to be associated with reduced cholesterol levels and decreased cardiovascular risk (PMID: 32039990 (2020), 30939045 (2019), 16002743 (2005)), and mitigated the presentation of hypercholesterolemia in one individual (PMID: 36003908 (2022)), the clinical significance of the c.2673del (p.Pro892Argfs*10) variant in hypercholesterolemia is currently unclear.